The following is an entry in ClinVar:

ClinVar aggregate classification (germline): Uncertain significance (1 of 4 stars; one submission).

Conditions:
PCNT-related disorder. Also called: PCNT-related condition.

Submission:

PreventionGenetics, part of Exact Sciences
Classification: Uncertain significance for PCNT-related condition. Last evaluated: 2025-03-19. Review status: criteria provided, single submitter. Criteria: ACMG Guidelines, 2015. Collection method: clinical testing. Allele origin: germline.
Comment: The PCNT c.9523G>A variant is predicted to result in the amino acid substitution p.Ala3175Thr. To our knowledge, this variant has not been reported in the literature or in a large population database (gnomAD), indicating this variant is rare. At this time, the clinical significance of this variant is uncertain due to the absence of conclusive functional and genetic evidence.

NM_006031.6(PCNT):c.9523G>A (p.Ala3175Thr)

Gene: PCNT (pericentrin; plus strand). Cytogenetic location: 21q22.3.
Variant type: single nucleotide variant.
Coding change: c.9523G>A on transcript NM_006031.6 (MANE Select); coding-DNA position 9523, G replaced by A.
Protein change: p.Ala3175Thr; replaces alanine 3175 with threonine.
Molecular consequence: missense variant.
Genome position (GRCh38, 1-based): chr21:46,440,984, G>A. VCF-style: chr21-46440984-G-A. GRCh37 (hg19) VCF-style: chr21-47860897-G-A.
Other names: c.8932G>A, p.Ala2978Thr (NM_001315529.2); short protein forms A3175T, A2978T.
Identifiers: ClinVar variation 4984824 (VCV004984824.1).